The following is an entry in ClinVar:

NM_006329.4(FBLN5):c.246C>T (p.Asn82=)

Gene: FBLN5 (fibulin 5; minus strand). Cytogenetic location: 14q32.12.
Variant type: single nucleotide variant.
Coding change: c.246C>T on transcript NM_006329.4 (MANE Select); coding-DNA position 246, C replaced by T.
Protein change: p.Asn82=; no amino-acid change (asparagine 82 retained).
Molecular consequence: synonymous variant.
Genome position (GRCh38, 1-based): chr14:91,937,080, G>A on the plus strand (C>T on the coding strand, the complement: FBLN5 is on the minus strand). VCF-style: chr14-91937080-G-A. GRCh37 (hg19) VCF-style: chr14-92403424-G-A.
Other names: c.78C>T, p.Asn26= (NM_001384161.1, NM_001384162.1); c.369C>T, p.Asn123= (NM_001384158.1); c.297C>T, p.Asn99= (NM_001384159.1); c.246C>T, p.Asn82= (NM_001384160.1).
Identifiers: ClinVar variation 2987079 (VCV002987079.11), dbSNP rs1220908259, ClinGen allele CA487830595.

ClinVar aggregate classification (germline): Conflicting classifications of pathogenicity. Review status: criteria provided, conflicting classifications (1 of 4 stars). 3 submissions from 3 submitters: Uncertain significance (1); Likely benign (2). Last evaluated 2025-09-01.

Allele frequency attached by ClinVar (database versions not stated): gnomAD 0.00001.

Submissions (3):

CeGaT Center for Human Genetics Tuebingen
Classification: Likely benign. Last evaluated: 2025-09-01. Review status: criteria provided, single submitter. Criteria: CeGaT Center For Human Genetics Tuebingen Variant Classification Criteria Version 2. Collection method: clinical testing. Allele origin: germline. Affected: yes. Observed: 1 variant allele.
Comment: FBLN5: BP4, BP7

Labcorp Genetics (formerly Invitae), Labcorp
Classification: Likely benign. Last evaluated: 2023-09-30. Review status: criteria provided, single submitter. Criteria: Invitae Variant Classification Sherloc (09022015). Collection method: clinical testing. Allele origin: germline.

Blueprint Genetics
Classification: Uncertain significance. Last evaluated: 2023-06-05. Review status: criteria provided, single submitter. Criteria: ACMG Guidelines, 2015. Collection method: clinical testing. Allele origin: germline.